The following is an entry in ClinVar:

NM_001127496.3(SPRY4):c.8C>T (p.Pro3Leu)

Gene: SPRY4 (sprouty RTK signaling antagonist 4; minus strand). Cytogenetic location: 5q31.3.
Variant type: single nucleotide variant.
Coding change: c.8C>T on transcript NM_001127496.3 (MANE Select); coding-DNA position 8, C replaced by T.
Protein change: p.Pro3Leu; replaces proline 3 with leucine.
Molecular consequence: missense variant.
Genome position (GRCh38, 1-based): chr5:142,315,101, G>A on the plus strand (C>T on the coding strand, the complement: SPRY4 is on the minus strand). VCF-style: chr5-142315101-G-A. GRCh37 (hg19) VCF-style: chr5-141694666-G-A.
Other names: c.8C>T, p.Pro3Leu (NM_001293289.3, NM_001293290.3); c.77C>T, p.Pro26Leu (NM_030964.5); short protein forms P3L, P26L.
Identifiers: ClinVar variation 4982228 (VCV004982228.1).
Genomic context (GRCh38, chr5:142,315,101, plus strand): 5'-TCAAGAAGGGGCTGGACCATGACTGAGTTGGGAGTCAAGGGGGCGCTCTGTGGGATCGGG[G>A]GCTCCATGGGGCTGGAGGTCCTGGACTGTACGGAGAAACAGGCTTCTAGGGGCCCTGGGG-3'
Protein context (NP_001120968.1, residues 1-13): ME[Pro3Leu]PIPQSAPLTP

ClinVar aggregate classification (germline): Uncertain significance (1 of 4 stars; one submission).

Conditions:
SPRY4-related disorder. Also called: SPRY4-related condition.

gnomAD v4.1: 6 of 1,610,012 alleles (0.00037%); highest among the groups gnomAD compares: South Asian, 0.0055%; no homozygotes.

Submission:

PreventionGenetics, part of Exact Sciences
Classification: Uncertain significance for SPRY4-related condition. Last evaluated: 2024-12-04. Review status: criteria provided, single submitter. Criteria: ACMG Guidelines, 2015. Collection method: clinical testing. Allele origin: germline.
Comment: The SPRY4 c.77C>T variant is predicted to result in the amino acid substitution p.Pro26Leu. To our knowledge, this variant has not been reported in the literature. This variant is reported in 0.0098% of alleles in individuals of South Asian descent in gnomAD. At this time, the clinical significance of this variant is uncertain due to the absence of conclusive functional and genetic evidence.